The following is an entry in ClinVar:

ClinVar aggregate classification (germline): Uncertain significance (1 of 4 stars; one submission).

gnomAD v4.1: 1 of 1,587,514 alleles (0.000063%); highest among the groups gnomAD compares: African/African-American, 0.0013%; no homozygotes.

Submission:

Mayo Clinic Laboratories, Mayo Clinic
Classification: Uncertain significance. Last evaluated: 2023-09-15. Review status: criteria provided, single submitter. Criteria: ACMG Guidelines, 2015. Collection method: clinical testing. Allele origin: germline. Observed: 1 variant allele.
Comment: BP4

NM_000158.4(GBE1):c.196A>G (p.Ile66Val)

Gene: GBE1 (1,4-alpha-glucan branching enzyme 1; minus strand). Cytogenetic location: 3p12.2.
Variant type: single nucleotide variant.
Coding change: c.196A>G on transcript NM_000158.4 (MANE Select); coding-DNA position 196, A replaced by G.
Protein change: p.Ile66Val; replaces isoleucine 66 with valine.
Molecular consequence: missense variant.
Genome position (GRCh38, 1-based): chr3:81,705,561, T>C on the plus strand (A>G on the coding strand, the complement: GBE1 is on the minus strand). VCF-style: chr3-81705561-T-C. GRCh37 (hg19) VCF-style: chr3-81754712-T-C.
Other names: p.Ile66Val; short protein forms I66V.
Identifiers: ClinVar variation 3379478 (VCV003379478.1).
Genomic context (GRCh38, chr3:81,705,561, plus strand): 5'-AACCACCATCAGCACATCTGTGGACGCCAAATGATTCATAGCCTCTGGAAAACTTATCAA[T>C]ACCACCTTCATTTTCTCCAATGTTCTTCAAAATTTGGCTAAACTGCTTATACCTTTGAAG-3'
Protein context (NP_000149.4, residues 56-76): LKNIGENEGG[Ile66Val]DKFSRGYESF